The following is an entry in ClinVar:

NM_006767.4(LZTR1):c.1260+217G>T

Gene: LZTR1 (leucine zipper like post translational regulator 1; plus strand). Cytogenetic location: 22q11.21.
Variant type: single nucleotide variant.
Coding change: c.1260+217G>T on transcript NM_006767.4 (MANE Select); 217 bases into the intron after coding-DNA position 1260, G replaced by T.
Molecular consequence: intron variant.
Genome position (GRCh38, 1-based): chr22:20,993,121, G>T. VCF-style: chr22-20993121-G-T. GRCh37 (hg19) VCF-style: chr22-21347410-G-T.
Identifiers: ClinVar variation 561668 (VCV000561668.1), dbSNP rs739522, ClinGen allele CA322268184.

ClinVar aggregate classification (germline): Likely benign (1 of 4 stars; one submission).

Allele frequency attached by ClinVar (database versions not stated): gnomAD 0.01675; TOPMed 0.02708; 1000 Genomes Project 0.05212; 1000 Genomes Project 30x 0.05247.
gnomAD v4.1: 3,014 of 152,342 alleles (2%); highest among the groups gnomAD compares: East Asian, 17%; 167 homozygotes.

Submission:

GeneDx
Classification: Likely benign. Last evaluated: 2018-06-16. Review status: criteria provided, single submitter. Criteria: GeneDx Variant Classification (06012015). Collection method: clinical testing. Allele origin: germline. Affected: yes.
Comment: This variant is considered likely benign or benign based on one or more of the following criteria: it is a conservative change, it occurs at a poorly conserved position in the protein, it is predicted to be benign by multiple in silico algorithms, and/or has population frequency not consistent with disease.